The following is an entry in ClinVar:

ClinVar aggregate classification (germline): Uncertain significance. Review status: criteria provided, multiple submitters, no conflicts (2 of 4 stars). 2 submissions from 2 submitters: Uncertain significance (2). Last evaluated 2023-03-07.

Conditions:
Pitt-Hopkins syndrome (PTHS). Also called: ENCEPHALOPATHY, SEVERE EPILEPTIC, WITH AUTONOMIC DYSFUNCTION; MENTAL RETARDATION, SYNDROMAL, WITH INTERMITTENT HYPERVENTILATION. Identifiers: Orphanet 2896, MedGen C1970431, MONDO:0012589, OMIM 610954.

Submissions (2):

GeneDx
Classification: Uncertain significance. Last evaluated: 2023-03-07. Review status: criteria provided, single submitter. Criteria: GeneDx Variant Classification Process June 2021. Collection method: clinical testing. Allele origin: germline. Affected: yes.
Comment: Not observed at significant frequency in large population cohorts (gnomAD); In silico analysis supports that this missense variant has a deleterious effect on protein structure/function; Has not been previously published as pathogenic or benign to our knowledge

Labcorp Genetics (formerly Invitae), Labcorp
Classification: Uncertain significance for Pitt-Hopkins syndrome. Last evaluated: 2023-03-03. Review status: criteria provided, single submitter. Criteria: Invitae Variant Classification Sherloc (09022015). Collection method: clinical testing. Allele origin: germline.
Comment: This variant is not present in population databases (gnomAD no frequency). In summary, the available evidence is currently insufficient to determine the role of this variant in disease. Therefore, it has been classified as a Variant of Uncertain Significance. Advanced modeling of protein sequence and biophysical properties (such as structural, functional, and spatial information, amino acid conservation, physicochemical variation, residue mobility, and thermodynamic stability) performed at Invitae indicates that this missense variant is not expected to disrupt TCF4 protein function. This variant has not been reported in the literature in individuals affected with TCF4-related conditions. This sequence change replaces proline, which is neutral and non-polar, with leucine, which is neutral and non-polar, at codon 28 of the TCF4 protein (p.Pro28Leu).

NM_001083962.2(TCF4):c.83C>T (p.Pro28Leu)

Gene: TCF4 (transcription factor 4; minus strand). Cytogenetic location: 18q21.2.
Variant type: single nucleotide variant.
Coding change: c.83C>T on transcript NM_001083962.2 (MANE Select); coding-DNA position 83, C replaced by T.
Protein change: p.Pro28Leu; replaces proline 28 with leucine.
Molecular consequence: missense variant.
Genome position (GRCh38, 1-based): chr18:55,585,342, G>A on the plus strand (C>T on the coding strand, the complement: TCF4 is on the minus strand). VCF-style: chr18-55585342-G-A. GRCh37 (hg19) VCF-style: chr18-53252573-G-A.
Other names: c.389C>T, p.Pro130Leu (NM_001243226.3); c.11C>T, p.Pro4Leu (NM_001243227.2, NM_001306207.1, NM_001369575.1 and 15 more transcripts); c.83C>T, p.Pro28Leu (NM_001243228.2, NM_001330604.3, NM_001369573.1 and 8 more transcripts); c.77C>T, p.Pro26Leu (NM_001243230.2); short protein forms P130L, P26L, P28L, P4L.
Identifiers: ClinVar variation 2579552 (VCV002579552.4), dbSNP rs2511886495, ClinGen allele CA402704133.